The following is an entry in ClinVar:

ClinVar aggregate classification (germline): Pathogenic (1 of 4 stars; one submission).

Conditions:
Hermansky-Pudlak syndrome 3 (HPS3). Identifiers: Orphanet 231512, Orphanet 79430, MedGen C3888001, MONDO:0013555, OMIM 614072.

Submission:

Myriad Genetics, Inc.
Classification: Pathogenic for Hermansky-Pudlak syndrome 3. Last evaluated: 2024-09-16. Review status: criteria provided, single submitter. Criteria: Myriad Autosomal Dominant, Autosomal Recessive and X-Linked Classification Criteria (2023). Collection method: clinical testing. Allele origin: unknown.
Comment: NM_032383.3(HPS3):c.1903dupT(Y635Lfs*4) is expected to be pathogenic in the context of Hermansky-Pudlak syndrome, HPS3-related. This variant is predicted to lead to an abnormal or absent protein product due to the creation of a premature termination codon in HPS3, a gene where loss-of-function variants are known to be pathogenic. Please note: this variant was assessed in the context of healthy population screening.

NM_032383.5(HPS3):c.1903dup (p.Tyr635fs)

Gene: HPS3 (HPS3 biogenesis of lysosomal organelles complex 2 subunit 1; plus strand). Cytogenetic location: 3q24.
Variant type: Duplication.
Coding change: c.1903dup on transcript NM_032383.5 (MANE Select); coding-DNA position 1903, one base duplicated (T; older notation c.1903dupT).
Protein change: p.Tyr635fs; shifts the reading frame from tyrosine 635.
Molecular consequence: frameshift variant.
Genome position (GRCh38, 1-based): chr3:149,160,076, T duplicated; the last of 4 consecutive T bases (chr3:149,160,073-149,160,076); duplicating any one gives the same sequence. VCF-style (leftmost placement, unchanged base first): chr3-149160072-G-GT. GRCh37 (hg19) VCF-style: chr3-148877859-G-GT.
Other names: c.1408dup, p.Tyr470fs (NM_001308258.2); short protein forms Y470fs, Y635fs.
Identifiers: ClinVar variation 5013553 (VCV005013553.1).
Genomic context (GRCh38, chr3:149,160,072, plus strand): 5'-TTTTATTCCTTTTATTCCTTCGTGCTCACCAAAGGAATTAGCAGCAAAAGTGGTTCAGAT[G>GT]TTTTATGTGGCTGAGCCAAAGCAAGTGCCCCATATTCTCTGTAGTCCTTCTATGAAGAAT-3'